The following is an entry in ClinVar:

ClinVar aggregate classification (germline): Uncertain significance (1 of 4 stars; one submission).

Conditions:
Lymphoproliferative syndrome 2 (LPFS2). Also called: Combined immunodeficiency due to CD27 deficiency; CD27 DEFICIENCY. Identifiers: Orphanet 238505, MedGen C3554540, MONDO:0014054, OMIM 615122.

Allele frequency attached by ClinVar (database versions not stated): ExAC 0.00001; gnomAD 0.00001; gnomAD exomes 0.00001; 1000 Genomes Project 0.00020; 1000 Genomes Project 30x 0.00031.
gnomAD v4.1: 5 of 1,611,392 alleles (0.00031%); highest among the groups gnomAD compares: South Asian, 0.0055%; no homozygotes.

Submission:

Labcorp Genetics (formerly Invitae), Labcorp
Classification: Uncertain significance for Lymphoproliferative syndrome 2. Last evaluated: 2022-11-08. Review status: criteria provided, single submitter. Criteria: Invitae Variant Classification Sherloc (09022015). Collection method: clinical testing. Allele origin: germline.
Comment: This variant has not been reported in the literature in individuals affected with CD27-related conditions. In summary, the available evidence is currently insufficient to determine the role of this variant in disease. Therefore, it has been classified as a Variant of Uncertain Significance. Advanced modeling of protein sequence and biophysical properties (such as structural, functional, and spatial information, amino acid conservation, physicochemical variation, residue mobility, and thermodynamic stability) performed at Invitae indicates that this missense variant is not expected to disrupt CD27 protein function. This sequence change replaces valine, which is neutral and non-polar, with isoleucine, which is neutral and non-polar, at codon 148 of the CD27 protein (p.Val148Ile). The frequency data for this variant in the population databases is considered unreliable, as metrics indicate poor data quality at this position in the gnomAD database.

NM_001242.5(CD27):c.442G>A (p.Val148Ile)

Genes: CD27 (CD27 molecule; plus strand), CD27-AS1 (CD27 antisense RNA 1; minus strand). Cytogenetic location: 12p13.31.
Variant type: single nucleotide variant.
Coding change: c.442G>A on transcript NM_001242.5 (MANE Select); coding-DNA position 442, G replaced by A.
Protein change: p.Val148Ile; replaces valine 148 with isoleucine.
Molecular consequence: missense variant. On other transcripts: non-coding transcript variant (1).
Genome position (GRCh38, 1-based): chr12:6,450,346, G>A. VCF-style: chr12-6450346-G-A. GRCh37 (hg19) VCF-style: chr12-6559512-G-A.
Other names: c.535G>A, p.Val179Ile (NM_001413263.1); c.415G>A, p.Val139Ile (NM_001413264.1); c.-9G>A (NM_001413266.1, NM_001413267.1, NM_001413268.1); short protein forms V139I, V148I, V179I.
Identifiers: ClinVar variation 2414022 (VCV002414022.7), dbSNP rs564047552, ClinGen allele CA6406970.